The following is an entry in ClinVar:

NM_032776.3(JMJD1C):c.4142C>A (p.Pro1381His)

Gene: JMJD1C (jumonji domain containing 1C; minus strand). Cytogenetic location: 10q21.3.
Variant type: single nucleotide variant.
Coding change: c.4142C>A on transcript NM_032776.3 (MANE Select); coding-DNA position 4142, C replaced by A.
Protein change: p.Pro1381His; replaces proline 1381 with histidine.
Molecular consequence: missense variant. On other transcripts: non-coding transcript variant (1).
Genome position (GRCh38, 1-based): chr10:63,207,527, G>T on the plus strand (C>A on the coding strand, the complement: JMJD1C is on the minus strand). VCF-style: chr10-63207527-G-T. GRCh37 (hg19) VCF-style: chr10-64967287-G-T.
Other names: c.4028C>A, p.Pro1343His (NM_001322252.2); c.3485C>A, p.Pro1162His (NM_001322254.2, NM_001322258.2); c.3596C>A, p.Pro1199His (NM_001282948.2, NM_001318154.2); c.3278C>A, p.Pro1093His (NM_001318153.2); c.4142C>A (NM_032776.1); short protein forms P1093H, P1162H, P1199H, P1343H, P1381H.
Identifiers: ClinVar variation 1007034 (VCV001007034.9), dbSNP rs1846783383, ClinGen allele CA377038411.

ClinVar aggregate classification (germline): Uncertain significance. Review status: criteria provided, multiple submitters, no conflicts (2 of 4 stars). 2 submissions from 2 submitters: Uncertain significance (2). Last evaluated 2022-03-01.

Conditions:
Early Myoclonic Encephalopathy. Identifiers: MedGen C0270855.

Submissions (2):

Labcorp Genetics (formerly Invitae), Labcorp
Classification: Uncertain significance for Early Myoclonic Encephalopathy. Last evaluated: 2022-03-01. Review status: criteria provided, single submitter. Criteria: Invitae Variant Classification Sherloc (09022015). Collection method: clinical testing. Allele origin: germline.
Comment: This sequence change replaces proline, which is neutral and non-polar, with histidine, which is basic and polar, at codon 1381 of the JMJD1C protein (p.Pro1381His). This variant is not present in population databases (gnomAD no frequency). This variant has not been reported in the literature in individuals affected with JMJD1C-related conditions. ClinVar contains an entry for this variant (Variation ID: 1007034). Algorithms developed to predict the effect of missense changes on protein structure and function are either unavailable or do not agree on the potential impact of this missense change (SIFT: "Deleterious"; PolyPhen-2: "Possibly Damaging"; Align-GVGD: "Class C0"). In summary, the available evidence is currently insufficient to determine the role of this variant in disease. Therefore, it has been classified as a Variant of Uncertain Significance.

Ambry Genetics
Classification: Uncertain significance. Last evaluated: 2021-10-29. Review status: criteria provided, single submitter. Criteria: Ambry Variant Classification Scheme 2023. Collection method: clinical testing. Allele origin: germline.